The following is an entry in ClinVar:

NM_139027.6(ADAMTS13):c.167T>G (p.Leu56Ter)

Gene: ADAMTS13 (ADAM metallopeptidase with thrombospondin type 1 motif 13; plus strand). Cytogenetic location: 9q34.2.
Variant type: single nucleotide variant.
Coding change: c.167T>G on transcript NM_139027.6 (MANE Select); coding-DNA position 167, T replaced by G.
Protein change: p.Leu56Ter; replaces leucine 56 with a stop codon.
Molecular consequence: nonsense. On other transcripts: non-coding transcript variant (1).
Genome position (GRCh38, 1-based): chr9:133,423,162, T>G. VCF-style: chr9-133423162-T-G. GRCh37 (hg19) VCF-style: chr9-136288282-T-G.
Other names: c.167T>G, p.Leu56Ter (NM_139025.5, NM_139026.6); short protein forms L56*.
Identifiers: ClinVar variation 3346102 (VCV003346102.1).

ClinVar aggregate classification (germline): Likely pathogenic (0 of 4 stars; one submission).

Conditions:
ADAMTS13-related disorder. Also called: ADAMTS13-related condition.

Submission:

PreventionGenetics, part of Exact Sciences
Classification: Likely pathogenic for ADAMTS13-related condition. Last evaluated: 2024-05-31. Review status: no assertion criteria provided. Collection method: clinical testing. Allele origin: germline.
Comment: The ADAMTS13 c.167T>G variant is predicted to result in premature protein termination (p.Leu56*). To our knowledge, this variant has not been reported in the literature or in a large population database, indicating this variant is rare. Nonsense variants in ADAMTS13 are expected to be pathogenic. This variant is interpreted as likely pathogenic.